The following is an entry in ClinVar:

ClinVar aggregate classification (germline): Pathogenic (1 of 4 stars; one submission).

Conditions:
Xanthinuria type II. Also called: Xanthine dehydrogenase and aldehyde oxidase combined deficiency of; XDH and AOX dual deficiency. Identifiers: Orphanet 3467, Orphanet 93602, MedGen C1863688, MONDO:0011346, OMIM 603592.

Submission:

Neuberg Centre For Genomic Medicine, NCGM
Classification: Pathogenic for Xanthinuria type II. Last evaluated: 2024-02-01. Review status: criteria provided, single submitter. Criteria: ACMG Guidelines, 2015. Collection method: clinical testing. Allele origin: germline. Inheritance: Autosomal recessive inheritance. Affected: yes.
Comment: The missense variant c.4511T>C(p.Leu1504Pro) in TSC2 gene has not been reported previously as a pathogenic variant nor as a benign variant, to our knowledge. This variant is absent in gnomAD Exomes. This variant has not been submitted to the ClinVar database. Multiple lines of computational evidence (Polyphen - Probably Damaging, SIFT - Damaging and MutationTaster - Disease causing) predict damaging effect on protein structure and function for this variant. The reference amino acid at this position on TSC2 gene is predicted as conserved by GERP++ and PhyloP across 100 vertebrates. The amino acid Leu at position 1504 is changed to a Pro changing protein sequence and it might alter its composition and physico-chemical properties. For these reasons, this variant has been classified as a Variant of Uncertain Significance (VUS).

NM_000548.5(TSC2):c.4511T>C (p.Leu1504Pro)

Gene: TSC2 (TSC complex subunit 2; plus strand). Cytogenetic location: 16p13.3.
Variant type: single nucleotide variant.
Coding change: c.4511T>C on transcript NM_000548.5 (MANE Select); coding-DNA position 4511, T replaced by C.
Protein change: p.Leu1504Pro; replaces leucine 1504 with proline.
Molecular consequence: missense variant. On other transcripts: non-coding transcript variant (5).
Genome position (GRCh38, 1-based): chr16:2,084,968, T>C. VCF-style: chr16-2084968-T-C. GRCh37 (hg19) VCF-style: chr16-2134969-T-C.
Other names: c.4310T>C, p.Leu1437Pro (NM_001077183.3); c.4442T>C, p.Leu1481Pro (NM_001114382.3); c.4202T>C, p.Leu1401Pro (NM_001318827.2); c.4166T>C, p.Leu1389Pro (NM_001318829.2); c.3779T>C, p.Leu1260Pro (NM_001318831.2); c.4343T>C, p.Leu1448Pro (NM_001318832.2); c.4313T>C, p.Leu1438Pro (NM_001363528.2); c.4379T>C, p.Leu1460Pro (NM_001370404.1); and 26 more; short protein forms L1012P, L1013P, L1033P, L1237P, L1238P, L1260P, L1280P, L1281P.
Identifiers: ClinVar variation 3895493 (VCV003895493.1).
Genomic context (GRCh38, chr16:2,084,968, plus strand): 5'-GCCAGGCCCTCACCTGGGTGCCCACCATCCCCTCCCTGTGCAGTTTCGTGTTCCTGCAGC[T>C]CTACCATTCCCCCTTCTTTGGCGACGAGTCAAACAAGCCAATCCTGCTGCCCAATGAGGT-3'
Protein context (NP_000539.2, residues 1494-1514): GINPSFVFLQ[Leu1504Pro]YHSPFFGDES